The following is an entry in ClinVar:

ClinVar aggregate classification (germline): Uncertain significance (1 of 4 stars; one submission).

Conditions:
Neuronal ceroid lipofuscinosis. Also called: Neuronal Ceroid Lipofuscinoses. Identifiers: Orphanet 216, Orphanet 79263, MedGen C0027877, MONDO:0016295. Disease mechanism: loss of function.

Submission:

Labcorp Genetics (formerly Invitae), Labcorp
Classification: Uncertain significance for Neuronal ceroid lipofuscinosis. Last evaluated: 2025-10-23. Review status: criteria provided, single submitter. Criteria: Invitae Variant Classification Sherloc (09022015). Collection method: clinical testing. Allele origin: germline.
Comment: This sequence change replaces serine, which is neutral and polar, with asparagine, which is neutral and polar, at codon 268 of the CLN3 protein (p.Ser268Asn). This variant is not present in population databases (gnomAD no frequency). This variant has not been reported in the literature in individuals affected with CLN3-related conditions. Invitae Evidence Modeling of protein sequence and biophysical properties (such as structural, functional, and spatial information, amino acid conservation, physicochemical variation, residue mobility, and thermodynamic stability) indicates that this missense variant is not expected to disrupt CLN3 protein function with a negative predictive value of 80%. In summary, the available evidence is currently insufficient to determine the role of this variant in disease. Therefore, it has been classified as a Variant of Uncertain Significance.

NM_001042432.2(CLN3):c.803G>A (p.Ser268Asn)

Gene: CLN3 (CLN3 lysosomal/endosomal transmembrane protein, battenin; minus strand). Cytogenetic location: 16p12.1.
Variant type: single nucleotide variant.
Coding change: c.803G>A on transcript NM_001042432.2 (MANE Select); coding-DNA position 803, G replaced by A.
Protein change: p.Ser268Asn; replaces serine 268 with asparagine.
Molecular consequence: missense variant.
Genome position (GRCh38, 1-based): chr16:28,482,660, C>T on the plus strand (G>A on the coding strand, the complement: CLN3 is on the minus strand). VCF-style: chr16-28482660-C-T. GRCh37 (hg19) VCF-style: chr16-28493981-C-T.
Other names: c.803G>A, p.Ser268Asn (NM_000086.2); c.731G>A, p.Ser244Asn (NM_001286104.2); c.503G>A, p.Ser168Asn (NM_001286105.2); c.569G>A, p.Ser190Asn (NM_001286109.2); c.641G>A, p.Ser214Asn (NM_001286110.2); short protein forms S168N, S190N, S214N, S244N, S268N.
Identifiers: ClinVar variation 4808225 (VCV004808225.1).